The following is an entry in ClinVar:

NM_014363.6(SACS):c.7517_7525del (p.Leu2506_Arg2508del)

Gene: SACS (sacsin molecular chaperone; minus strand). Cytogenetic location: 13q12.12.
Variant type: Deletion.
Coding change: c.7517_7525del on transcript NM_014363.6 (MANE Select); coding-DNA positions 7517 to 7525, 9 bases deleted (TAGAAAGAT; older notation c.7517_7525delTAGAAAGAT).
Protein change: p.Leu2506_Arg2508del.
Molecular consequence: inframe deletion.
Genome position (GRCh38, 1-based): chr13:23,336,351-23,336,359, ATCTTTCTA deleted on the plus strand (TAGAAAGAT on the coding strand, the reverse complement: SACS is on the minus strand); deleting any 9 consecutive bases within chr13:23,336,351-23,336,360 gives the same sequence; the c. name uses the placement nearest the transcript's 3' end. VCF-style (leftmost placement, unchanged base first): chr13-23336350-TATCTTTCTA-T. GRCh37 (hg19) VCF-style: chr13-23910489-TATCTTTCTA-T.
Other names: c.7076_7084del, p.Leu2359_Arg2361del (NM_001278055.2); c.7544_7552del, p.Leu2515_Arg2517del (NM_001437336.1).
Identifiers: ClinVar variation 5004470 (VCV005004470.1).
Genomic context (GRCh38, chr13:23,336,350, plus strand): 5'-GTCAATTTTTCTTTCTGCCCAAATTCTGTGCCAAGTGTTGTAAAACAGACATTGGATGCA[TATCTTTCTA>T]AGGCTTTGTGTCGCTTTGGGACTGCTCCTAGTTTTACTGCTACTTCCCTGGGTATGTCAG-3'

ClinVar aggregate classification (germline): Uncertain significance (1 of 4 stars; one submission).

Conditions:
Charlevoix-Saguenay spastic ataxia (SACS). Also called: AUTOSOMAL RECESSIVE SPASTIC ATAXIA OF CHARLEVOIX-SAGUENAY; Spastic ataxia of Charlevoix-Saguenay; SPASTIC ATAXIA 6, AUTOSOMAL RECESSIVE. Identifiers: Orphanet 98, MedGen C1849140, MONDO:0010041, OMIM 270550.

Submission:

Myriad Genetics, Inc.
Classification: Uncertain significance for Charlevoix-Saguenay spastic ataxia. Last evaluated: 2026-02-13. Review status: criteria provided, single submitter. Criteria: Myriad Autosomal Dominant, Autosomal Recessive and X-Linked Classification Criteria (2023). Collection method: clinical testing. Allele origin: unknown.
Comment: NM_014363.4(SACS):c.7517_7525del9(L2506_R2508del) is an in-frame deletion classified as a variant of uncertain significance in the context of autosomal recessive spastic ataxia of Charlevoix-Saguenay. L2506_R2508del has not been observed in cases with relevant disease. Relevant functional assessments of this variant are not available in the literature. L2506_R2508del has not been observed in referenced population frequency databases. In summary, there is insufficient evidence to classify NM_014363.4(SACS):c.7517_7525del9(L2506_R2508del) as pathogenic or benign. Please note: this variant was assessed in the context of healthy population screening.